The following is an entry in ClinVar:

ClinVar aggregate classification (germline): Uncertain significance (1 of 4 stars; one submission).

Allele frequency attached by ClinVar (database versions not stated): gnomAD exomes below 0.00001.

Submission:

Labcorp Genetics (formerly Invitae), Labcorp
Classification: Uncertain significance. Last evaluated: 2024-08-19. Review status: criteria provided, single submitter. Criteria: Invitae Variant Classification Sherloc (09022015). Collection method: clinical testing. Allele origin: germline.
Comment: This sequence change replaces glycine, which is neutral and non-polar, with alanine, which is neutral and non-polar, at codon 296 of the DVL3 protein (p.Gly296Ala). This variant is present in population databases (no rsID available, gnomAD 0.007%). This variant has not been reported in the literature in individuals affected with DVL3-related conditions. Invitae Evidence Modeling of protein sequence and biophysical properties (such as structural, functional, and spatial information, amino acid conservation, physicochemical variation, residue mobility, and thermodynamic stability) indicates that this missense variant is expected to disrupt DVL3 protein function with a positive predictive value of 80%. In summary, the available evidence is currently insufficient to determine the role of this variant in disease. Therefore, it has been classified as a Variant of Uncertain Significance.

NM_004423.4(DVL3):c.887G>C (p.Gly296Ala)

Gene: DVL3 (dishevelled segment polarity protein 3; plus strand). Cytogenetic location: 3q27.1.
Variant type: single nucleotide variant.
Coding change: c.887G>C on transcript NM_004423.4 (MANE Select); coding-DNA position 887, G replaced by C.
Protein change: p.Gly296Ala; replaces glycine 296 with alanine.
Molecular consequence: missense variant.
Genome position (GRCh38, 1-based): chr3:184,166,249, G>C. VCF-style: chr3-184166249-G-C. GRCh37 (hg19) VCF-style: chr3-183884037-G-C.
Other names: short protein forms G296A.
Identifiers: ClinVar variation 2972899 (VCV002972899.3), dbSNP rs1291672312, ClinGen allele CA355409268.
Genomic context (GRCh38, chr3:184,166,249, plus strand): 5'-TCTACATTGGCTCTATCATGAAGGGTGGGGCCGTGGCTGCTGATGGACGCATCGAGCCAG[G>C]AGATATGTTGTTACAGGTATCAGTGCCCATCCTAGGCGGTGGTGTGGATAGAGGGCAGGG-3'
Protein context (NP_004414.3, residues 286-306): AVAADGRIEP[Gly296Ala]DMLLQVNEIN